The following is an entry in ClinVar:

NM_002454.3(MTRR):c.1394dup (p.Leu466fs)

Gene: MTRR (5-methyltetrahydrofolate-homocysteine methyltransferase reductase; plus strand). Cytogenetic location: 5p15.31.
Variant type: Duplication.
Coding change: c.1394dup on transcript NM_002454.3 (MANE Select); coding-DNA position 1394, one base duplicated (A; older notation c.1394dupA).
Protein change: p.Leu466fs; shifts the reading frame from leucine 466.
Molecular consequence: frameshift variant. On other transcripts: non-coding transcript variant (14).
Genome position (GRCh38, 1-based): chr5:7,892,750, A duplicated; the last of 3 consecutive A bases (chr5:7,892,748-7,892,750); duplicating any one gives the same sequence. VCF-style (leftmost placement, unchanged base first): chr5-7892747-G-GA. GRCh37 (hg19) VCF-style: chr5-7892860-G-GA.
Other names: c.1394dup, p.Leu466fs (NM_001364440.2, NM_001364441.2, NM_001364442.2 and 1 more transcripts); short protein forms L466fs.
Identifiers: ClinVar variation 2029285 (VCV002029285.4), dbSNP rs2479100396, ClinGen allele CA2580073442.

ClinVar aggregate classification (germline): Pathogenic (1 of 4 stars; one submission).

Conditions:
Methylcobalamin deficiency type cblE (HMAE). Also called: VITAMIN B12-RESPONSIVE HOMOCYSTINURIA, cblE TYPE; HOMOCYSTINURIA-MEGALOBLASTIC ANEMIA, cblE COMPLEMENTATION TYPE; HOMOCYSTINURIA-MEGALOBLASTIC ANEMIA, cblE TYPE. Identifiers: Orphanet 2169, Orphanet 622, MedGen C1856057, MONDO:0009354, OMIM 236270.

Submission:

Labcorp Genetics (formerly Invitae), Labcorp
Classification: Pathogenic for Methylcobalamin deficiency type cblE. Last evaluated: 2022-09-22. Review status: criteria provided, single submitter. Criteria: Invitae Variant Classification Sherloc (09022015). Collection method: clinical testing. Allele origin: germline.
Comment: For these reasons, this variant has been classified as Pathogenic. This variant has not been reported in the literature in individuals affected with MTRR-related conditions. This variant is not present in population databases (gnomAD no frequency). This sequence change creates a premature translational stop signal (p.Leu466Alafs*45) in the MTRR gene. It is expected to result in an absent or disrupted protein product. Loss-of-function variants in MTRR are known to be pathogenic (PMID: 15714522).

Literature cited by the submitters: PubMed 15714522.